The following is an entry in ClinVar:

NM_000153.4(GALC):c.356A>C (p.Tyr119Ser)

Gene: GALC (galactosylceramidase; minus strand). Cytogenetic location: 14q31.3.
Variant type: single nucleotide variant.
Coding change: c.356A>C on transcript NM_000153.4 (MANE Select); coding-DNA position 356, A replaced by C.
Protein change: p.Tyr119Ser; replaces tyrosine 119 with serine.
Molecular consequence: missense variant.
Genome position (GRCh38, 1-based): chr14:87,986,575, T>G on the plus strand (A>C on the coding strand, the complement: GALC is on the minus strand). VCF-style: chr14-87986575-T-G. GRCh37 (hg19) VCF-style: chr14-88452919-T-G.
Other names: c.287A>C, p.Tyr96Ser (NM_001201401.2); c.278A>C, p.Tyr93Ser (NM_001201402.2); short protein forms Y93S, Y119S, Y96S.
Identifiers: ClinVar variation 1448849 (VCV001448849.13), dbSNP rs2139754980, ClinGen allele CA390752729.

ClinVar aggregate classification (germline): Uncertain significance (1 of 4 stars; one submission).

Conditions:
Galactosylceramide beta-galactosidase deficiency. Also called: GALACTOCEREBROSIDASE DEFICIENCY; GALC DEFICIENCY; GLOBOID CELL LEUKOENCEPHALOPATHY; Leukodystrophy, Globoid Cell; Krabbe Disease. Identifiers: Orphanet 487, MedGen C0023521, MONDO:0009499, OMIM 245200.

Submission:

Labcorp Genetics (formerly Invitae), Labcorp
Classification: Uncertain significance for Galactosylceramide beta-galactosidase deficiency. Last evaluated: 2022-11-14. Review status: criteria provided, single submitter. Criteria: Invitae Variant Classification Sherloc (09022015). Collection method: clinical testing. Allele origin: germline.
Comment: This variant has not been reported in the literature in individuals affected with GALC-related conditions. This variant is not present in population databases (gnomAD no frequency). This sequence change replaces tyrosine, which is neutral and polar, with serine, which is neutral and polar, at codon 119 of the GALC protein (p.Tyr119Ser). In summary, the available evidence is currently insufficient to determine the role of this variant in disease. Therefore, it has been classified as a Variant of Uncertain Significance. Algorithms developed to predict the effect of missense changes on protein structure and function (SIFT, PolyPhen-2, Align-GVGD) all suggest that this variant is likely to be tolerated. ClinVar contains an entry for this variant (Variation ID: 1448849).